The following is an entry in ClinVar:

ClinVar aggregate classification (germline): Likely benign. Review status: criteria provided, multiple submitters, no conflicts (2 of 4 stars). 3 submissions from 3 submitters: Likely benign (3). Last evaluated 2025-02-11.

Conditions:
Wilms tumor 1 (WT1). Also called: Wilms tumor, somatic. Identifiers: Orphanet 654, MedGen CN033288, MONDO:0008679, OMIM 194070.
Inborn genetic diseases. Identifiers: MedGen C0950123, MeSH D030342.
Frasier syndrome. Identifiers: Orphanet 347, MedGen C0950122, MeSH D052159, MONDO:0007635, OMIM 136680.
Drash syndrome (DDS). Also called: WILMS TUMOR AND PSEUDO- OR TRUE HERMAPHRODITISM; NEPHROPATHY, WILMS TUMOR, AND GENITAL ANOMALIES. Identifiers: Orphanet 220, MedGen C0950121, MONDO:0008682, OMIM 194080.
11p partial monosomy syndrome (WAGR). Also called: WAGR Complex; WAGR Spectrum Disorder; WAGR syndrome; CHROMOSOME 11p13 DELETION SYNDROME. Identifiers: Orphanet 893, MedGen C0206115, MONDO:0008681, OMIM 194072.

gnomAD v4.1: 5 of 1,613,810 alleles (0.00031%); highest among the groups gnomAD compares: Non-Finnish European, 0.00042%; no homozygotes.

Submissions (3):

Ambry Genetics
Classification: Likely benign for Inborn genetic diseases. Last evaluated: 2025-02-11. Review status: criteria provided, single submitter. Criteria: Ambry Variant Classification Scheme 2023. Collection method: clinical testing. Allele origin: germline.

Labcorp Genetics (formerly Invitae), Labcorp
Classification: Likely benign for Wilms tumor 1; Drash syndrome; 11p partial monosomy syndrome; Frasier syndrome. Last evaluated: 2023-09-29. Review status: criteria provided, single submitter. Criteria: Invitae Variant Classification Sherloc (09022015). Collection method: clinical testing. Allele origin: germline.

All of Us Research Program, National Institutes of Health
Classification: Likely benign for Wilms tumor 1. Last evaluated: 2023-05-30. Review status: criteria provided, single submitter. Criteria: ACMG Guidelines, 2015. Collection method: clinical testing. Allele origin: germline. Inheritance: Autosomal dominant inheritance. Observed: 1 variant allele, 1 heterozygote.
Comment: This study involves interpretation of variants in research participants for the purpose of population health screening. Participant phenotype was not available at the time of variant classification. Additional details can be found in publication PMID: 35346344, PMCID: PMC8962531

NM_024426.6(WT1):c.690G>T (p.Thr230=)

Gene: WT1 (WT1 transcription factor; minus strand). Cytogenetic location: 11p13.
Variant type: single nucleotide variant.
Coding change: c.690G>T on transcript NM_024426.6 (MANE Select); coding-DNA position 690, G replaced by T.
Protein change: p.Thr230=; no amino-acid change (threonine 230 retained).
Molecular consequence: synonymous variant. On other transcripts: 5 prime UTR variant (1), non-coding transcript variant (2), intron variant (2).
Genome position (GRCh38, 1-based): chr11:32,428,591, C>A on the plus strand (G>T on the coding strand, the complement: WT1 is on the minus strand). VCF-style: chr11-32428591-C-A. GRCh37 (hg19) VCF-style: chr11-32450137-C-A.
Other names: c.690G>T, p.Thr230= (NM_000378.6, NM_001407044.1, NM_001407045.1 and 4 more transcripts); c.39G>T, p.Thr13= (NM_001198551.2, NM_001198552.2); c.-73G>T (NM_001407051.1); c.675G>T, p.Thr225= (NM_024425.2); c.662-533G>T (NM_001407050.1, NM_001407047.1); c.675G>T (NM_024426.4).
Identifiers: ClinVar variation 2199044 (VCV002199044.6), dbSNP rs1277854204, ClinGen allele CA473570413.